The following is an entry in ClinVar:

NM_005465.7(AKT3):c.1251+49A>G

Gene: AKT3 (AKT serine/threonine kinase 3; minus strand). Cytogenetic location: 1q44.
Variant type: single nucleotide variant.
Coding change: c.1251+49A>G on transcript NM_005465.7 (MANE Select); 49 bases into the intron after coding-DNA position 1251, A replaced by G.
Molecular consequence: intron variant.
Genome position (GRCh38, 1-based): chr1:243,545,461, T>C on the plus strand (A>G on the coding strand, the complement: AKT3 is on the minus strand). VCF-style: chr1-243545461-T-C. GRCh37 (hg19) VCF-style: chr1-243708763-T-C.
Other names: c.1251+49A>G (NM_181690.2, NM_001370074.1, NM_001206729.2).
Identifiers: ClinVar variation 679980 (VCV000679980.1), dbSNP rs115947874, ClinGen allele CA1483942.

ClinVar aggregate classification (germline): Likely benign (1 of 4 stars; one submission).

Allele frequency attached by ClinVar (database versions not stated): gnomAD exomes 0.00090 and 0.00253; ExAC 0.00305; 1000 Genomes Project 0.00839; 1000 Genomes Project 30x 0.00906; gnomAD 0.01001 and 0.01079; TOPMed 0.01070; ESP Exome Variant Server 0.01193.
gnomAD v4.1: 2,387 of 1,074,372 alleles (0.22%); highest among the groups gnomAD compares: African/African-American, 3.4%; 34 homozygotes.

Submission:

GeneDx
Classification: Likely benign. Last evaluated: 2018-06-16. Review status: criteria provided, single submitter. Criteria: GeneDx Variant Classification (06012015). Collection method: clinical testing. Allele origin: germline. Affected: yes.
Comment: This variant is considered likely benign or benign based on one or more of the following criteria: it is a conservative change, it occurs at a poorly conserved position in the protein, it is predicted to be benign by multiple in silico algorithms, and/or has population frequency not consistent with disease.